The following is an entry in ClinVar:

ClinVar aggregate classification (germline): Uncertain significance (1 of 4 stars; one submission).

Conditions:
Left ventricular noncompaction 8 (LVNC8). Identifiers: Orphanet 154, Orphanet 54260, MedGen C3809288, MONDO:0014152, OMIM 615373.

Allele frequency attached by ClinVar (database versions not stated): TOPMed 0.00002; gnomAD exomes 0.00004.
gnomAD v4.1: 58 of 1,506,648 alleles (0.0038%); highest among the groups gnomAD compares: South Asian, 0.0091%; 1 homozygote.

Submission:

Labcorp Genetics (formerly Invitae), Labcorp
Classification: Uncertain significance for Left ventricular noncompaction 8. Last evaluated: 2023-10-06. Review status: criteria provided, single submitter. Criteria: Invitae Variant Classification Sherloc (09022015). Collection method: clinical testing. Allele origin: germline.
Comment: This sequence change replaces proline, which is neutral and non-polar, with leucine, which is neutral and non-polar, at codon 844 of the PRDM16 protein (p.Pro844Leu). This variant is present in population databases (rs753949982, gnomAD 0.007%). This variant has not been reported in the literature in individuals affected with PRDM16-related conditions. ClinVar contains an entry for this variant (Variation ID: 1969690). Algorithms developed to predict the effect of missense changes on protein structure and function output the following: SIFT: "Not Available"; PolyPhen-2: "Benign"; Align-GVGD: "Not Available". The leucine amino acid residue is found in multiple mammalian species, which suggests that this missense change does not adversely affect protein function. In summary, the available evidence is currently insufficient to determine the role of this variant in disease. Therefore, it has been classified as a Variant of Uncertain Significance.

NM_022114.4(PRDM16):c.2531C>T (p.Pro844Leu)

Gene: PRDM16 (PR/SET domain 16; plus strand). Cytogenetic location: 1p36.32.
Variant type: single nucleotide variant.
Coding change: c.2531C>T on transcript NM_022114.4 (MANE Select); coding-DNA position 2531, C replaced by T.
Protein change: p.Pro844Leu; replaces proline 844 with leucine.
Molecular consequence: missense variant.
Genome position (GRCh38, 1-based): chr1:3,412,728, C>T. VCF-style: chr1-3412728-C-T. GRCh37 (hg19) VCF-style: chr1-3329292-C-T.
Other names: c.2531C>T, p.Pro844Leu (NM_199454.3); short protein forms P844L.
Identifiers: ClinVar variation 1969690 (VCV001969690.5), dbSNP rs753949982, ClinGen allele CA544500.
Genomic context (GRCh38, chr1:3,412,728, plus strand): 5'-AGAACCACGTCTATGGGGAACGCAAGCTGGGCGCCGGCGAGGGGCTGCCCCAGGTGTGCC[C>T]GGCGCGGATGCCCCAGCAGCCCCCGCTCCACTACGCCAAGCCCTCGCCCTTCTTCATGGA-3'
Protein context (NP_071397.3, residues 834-854): GAGEGLPQVC[Pro844Leu]ARMPQQPPLH